The following is an entry in ClinVar:

ClinVar aggregate classification (germline): Uncertain significance (1 of 4 stars; one submission).

Submission:

Labcorp Genetics (formerly Invitae), Labcorp
Classification: Uncertain significance. Last evaluated: 2024-04-20. Review status: criteria provided, single submitter. Criteria: Invitae Variant Classification Sherloc (09022015). Collection method: clinical testing. Allele origin: germline.
Comment: This sequence change replaces asparagine, which is neutral and polar, with threonine, which is neutral and polar, at codon 679 of the KANK2 protein (p.Asn679Thr). This variant is not present in population databases (gnomAD no frequency). This variant has not been reported in the literature in individuals affected with KANK2-related conditions. An algorithm developed to predict the effect of missense changes on protein structure and function (PolyPhen-2) suggests that this variant is likely to be disruptive. In summary, the available evidence is currently insufficient to determine the role of this variant in disease. Therefore, it has been classified as a Variant of Uncertain Significance.

NM_001136191.3(KANK2):c.2036A>C (p.Asn679Thr)

Gene: KANK2 (KN motif and ankyrin repeat domains 2; minus strand). Cytogenetic location: 19p13.2.
Variant type: single nucleotide variant.
Coding change: c.2036A>C on transcript NM_001136191.3 (MANE Select); coding-DNA position 2036, A replaced by C.
Protein change: p.Asn679Thr; replaces asparagine 679 with threonine.
Molecular consequence: missense variant.
Genome position (GRCh38, 1-based): chr19:11,174,505, T>G on the plus strand (A>C on the coding strand, the complement: KANK2 is on the minus strand). VCF-style: chr19-11174505-T-G. GRCh37 (hg19) VCF-style: chr19-11285181-T-G.
Other names: c.2036A>C, p.Asn679Thr (NM_001329451.2, NM_001379562.1, NM_001379563.1 and 7 more transcripts); c.2060A>C, p.Asn687Thr (NM_001379548.1, NM_001379549.1, NM_001379550.1 and 5 more transcripts); short protein forms N679T, N687T.
Identifiers: ClinVar variation 3668553 (VCV003668553.2).
Genomic context (GRCh38, chr19:11,174,505, plus strand): 5'-GCCGCCTCGTCCTCCCCGCTGGGCTCACCGCTGTCGAGCAGCTGCTGCACCACGGGGAAG[T>G]TGGCATGAGACACGGAGTAGTGCAGGGCTGTGTTGCCGTTGCTGTCGGCGATGTTGACCA-3'
Protein context (NP_001129663.1, residues 669-689): TALHYSVSHA[Asn679Thr]FPVVQQLLDS